The following is an entry in ClinVar:

ClinVar aggregate classification (germline): Benign. Review status: criteria provided, multiple submitters, no conflicts (2 of 4 stars). 3 submissions from 3 submitters: Benign (3). Last evaluated 2021-06-09.

Allele frequency attached by ClinVar (database versions not stated): 1000 Genomes Project 0.11162; 1000 Genomes Project 30x 0.11618; gnomAD exomes 0.14611 and 0.16999; ExAC 0.14904; TOPMed 0.15140; ESP Exome Variant Server 0.15778; gnomAD 0.16028 and 0.16346.
gnomAD v4.1: 270,727 of 1,602,934 alleles (17%); highest among the groups gnomAD compares: Non-Finnish European, 18%; 24,991 homozygotes.

Submissions (3):

GeneDx
Classification: Benign. Last evaluated: 2021-06-09. Review status: criteria provided, single submitter. Criteria: GeneDx Variant Classification Process June 2021. Collection method: clinical testing. Allele origin: germline. Affected: yes.

Laboratory for Molecular Medicine, Mass General Brigham Personalized Medicine
Classification: Benign. Last evaluated: 2016-03-28. Review status: criteria provided, single submitter. Criteria: LMM Criteria. Collection method: clinical testing. Allele origin: germline.
Comment: Variant identified in a genome or exome case(s) and assessed due to predicted null impact of the variant or pathogenic assertions in the literature or databases. Disclaimer: This variant has not undergone full assessment. The following are preliminary notes: Frequency

Breakthrough Genomics
Classification: Benign. Review status: criteria provided, single submitter. Criteria: ACMG Guidelines, 2015. Collection method: not provided. Allele origin: germline. Inheritance: Autosomal dominant inheritance. Affected: yes.

NM_002458.3(MUC5B):c.6855G>A (p.Thr2285=)

Genes: MUC5B (mucin 5B, oligomeric mucus/gel-forming; plus strand), MUC5B-AS1 (MUC5B antisense RNA 1; minus strand). Cytogenetic location: 11p15.5.
Variant type: single nucleotide variant.
Coding change: c.6855G>A on transcript NM_002458.3 (MANE Select); coding-DNA position 6855, G replaced by A.
Protein change: p.Thr2285=; no amino-acid change (threonine 2285 retained).
Molecular consequence: synonymous variant.
Genome position (GRCh38, 1-based): chr11:1,243,735, G>A. VCF-style: chr11-1243735-G-A. GRCh37 (hg19) VCF-style: chr11-1264965-G-A.
Identifiers: ClinVar variation 403142 (VCV000403142.8), dbSNP rs4963051, ClinGen allele CA5806168.